The following is an entry in ClinVar:

ClinVar aggregate classification (germline): Uncertain significance. Review status: criteria provided, multiple submitters, no conflicts (2 of 4 stars). 2 submissions from 2 submitters: Uncertain significance (2). Last evaluated 2025-08-02.

Conditions:
Compton-North congenital myopathy (CMYO12). Identifiers: Orphanet 210163, MedGen C2675527, MONDO:0012929, OMIM 612540.
Inborn genetic diseases. Identifiers: MedGen C0950123, MeSH D030342.

Allele frequency attached by ClinVar (database versions not stated): ExAC 0.00001; gnomAD 0.00001; gnomAD exomes 0.00002 and 0.00003; TOPMed 0.00002.
gnomAD v4.1: 40 of 1,612,710 alleles (0.0025%); highest among the groups gnomAD compares: Non-Finnish European, 0.0034%; no homozygotes.

Submissions (2):

Ambry Genetics
Classification: Uncertain significance for Inborn genetic diseases. Last evaluated: 2025-08-02. Review status: criteria provided, single submitter. Criteria: Ambry Variant Classification Scheme 2023. Collection method: clinical testing. Allele origin: germline.

Labcorp Genetics (formerly Invitae), Labcorp
Classification: Uncertain significance for Compton-North congenital myopathy. Last evaluated: 2022-07-16. Review status: criteria provided, single submitter. Criteria: Invitae Variant Classification Sherloc (09022015). Collection method: clinical testing. Allele origin: germline.
Comment: In summary, the available evidence is currently insufficient to determine the role of this variant in disease. Therefore, it has been classified as a Variant of Uncertain Significance. This variant has not been reported in the literature in individuals affected with CNTN1-related conditions. ClinVar contains an entry for this variant (Variation ID: 1414100). Advanced modeling of protein sequence and biophysical properties (such as structural, functional, and spatial information, amino acid conservation, physicochemical variation, residue mobility, and thermodynamic stability) performed at Invitae indicates that this missense variant is not expected to disrupt CNTN1 protein function. This sequence change replaces phenylalanine, which is neutral and non-polar, with leucine, which is neutral and non-polar, at codon 188 of the CNTN1 protein (p.Phe188Leu). This variant is present in population databases (rs775149768, gnomAD 0.004%).

NM_001843.4(CNTN1):c.564T>A (p.Phe188Leu)

Gene: CNTN1 (contactin 1; plus strand). Cytogenetic location: 12q12.
Variant type: single nucleotide variant.
Coding change: c.564T>A on transcript NM_001843.4 (MANE Select); coding-DNA position 564, T replaced by A.
Protein change: p.Phe188Leu; replaces phenylalanine 188 with leucine.
Molecular consequence: missense variant.
Genome position (GRCh38, 1-based): chr12:40,929,863, T>A. VCF-style: chr12-40929863-T-A. GRCh37 (hg19) VCF-style: chr12-41323665-T-A.
Other names: c.564T>A, p.Phe188Leu (NM_001256063.2, NM_001256064.2); c.531T>A, p.Phe177Leu (NM_175038.2); c.564T>A (NM_001843.2); short protein forms F177L, F188L.
Identifiers: ClinVar variation 1414100 (VCV001414100.9), dbSNP rs775149768, ClinGen allele CA6516648.